The following is an entry in ClinVar:

NM_000388.4(CASR):c.3206G>A (p.Ser1069Asn)

Gene: CASR (calcium sensing receptor; plus strand). Cytogenetic location: 3q21.1.
Variant type: single nucleotide variant.
Coding change: c.3206G>A on transcript NM_000388.4 (MANE Select); coding-DNA position 3206, G replaced by A.
Protein change: p.Ser1069Asn; replaces serine 1069 with asparagine.
Molecular consequence: missense variant.
Genome position (GRCh38, 1-based): chr3:122,285,160, G>A. VCF-style: chr3-122285160-G-A. GRCh37 (hg19) VCF-style: chr3-122004007-G-A.
Other names: c.3236G>A, p.Ser1079Asn (NM_001178065.2); short protein forms S1069N, S1079N.
Identifiers: ClinVar variation 1728866 (VCV001728866.2), dbSNP rs2473284233, ClinGen allele CA354161779.

ClinVar aggregate classification (germline): Uncertain significance (1 of 4 stars; one submission).

Conditions:
Nephrolithiasis/nephrocalcinosis. Identifiers: MedGen CN580796.

Submission:

Ambry Genetics
Classification: Uncertain significance for Nephrolithiasis/nephrocalcinosis. Last evaluated: 2022-03-12. Review status: criteria provided, single submitter. Criteria: Ambry Variant Classification Scheme 2023. Collection method: clinical testing. Allele origin: germline.
Comment: The p.S1069N variant (also known as c.3206G>A), located in coding exon 6 of the CASR gene, results from a G to A substitution at nucleotide position 3206. The serine at codon 1069 is replaced by asparagine, an amino acid with highly similar properties. This amino acid position is conserved. In addition, this alteration is predicted to be tolerated by in silico analysis. Since supporting evidence is limited at this time, the clinical significance of this alteration remains unclear.